The following is an entry in ClinVar:

ClinVar aggregate classification (germline): Uncertain significance (1 of 4 stars; one submission).

Submission:

Labcorp Genetics (formerly Invitae), Labcorp
Classification: Uncertain significance. Last evaluated: 2020-12-23. Review status: criteria provided, single submitter. Criteria: Invitae Variant Classification Sherloc (09022015). Collection method: clinical testing. Allele origin: germline.
Comment: In summary, the available evidence is currently insufficient to determine the role of this variant in disease. Therefore, it has been classified as a Variant of Uncertain Significance. Algorithms developed to predict the effect of sequence changes on RNA splicing suggest that this variant may create or strengthen a splice site, but this prediction has not been confirmed by published transcriptional studies. Algorithms developed to predict the effect of missense changes on protein structure and function are either unavailable or do not agree on the potential impact of this missense change (SIFT: "Deleterious"; PolyPhen-2: "Possibly Damaging"; Align-GVGD: "Class C0"). This variant has not been reported in the literature in individuals with UMOD-related conditions. The frequency data for this variant in the population databases is considered unreliable, as metrics indicate insufficient coverage at this position in the ExAC database. This sequence change replaces glycine with valine at codon 209 of the UMOD protein (p.Gly209Val). The glycine residue is moderately conserved and there is a moderate physicochemical difference between glycine and valine.

NM_003361.4(UMOD):c.626G>T (p.Gly209Val)

Gene: UMOD (uromodulin; minus strand). Cytogenetic location: 16p12.3.
Variant type: single nucleotide variant.
Coding change: c.626G>T on transcript NM_003361.4 (MANE Select); coding-DNA position 626, G replaced by T.
Protein change: p.Gly209Val; replaces glycine 209 with valine.
Molecular consequence: missense variant. On other transcripts: non-coding transcript variant (1).
Genome position (GRCh38, 1-based): chr16:20,348,675, C>A on the plus strand (G>T on the coding strand, the complement: UMOD is on the minus strand). VCF-style: chr16-20348675-C-A. GRCh37 (hg19) VCF-style: chr16-20359997-C-A.
Other names: c.626G>T, p.Gly209Val (NM_001008389.3, NM_001378232.1, NM_001378233.1 and 3 more transcripts); c.725G>T, p.Gly242Val (NM_001278614.2); short protein forms G209V, G242V.
Identifiers: ClinVar variation 1496784 (VCV001496784.8), dbSNP rs1596562035, ClinGen allele CA394985274.